The following is an entry in ClinVar:

NM_152618.3(BBS12):c.869T>C (p.Val290Ala)

Gene: BBS12 (Bardet-Biedl syndrome 12; plus strand). Cytogenetic location: 4q27.
Variant type: single nucleotide variant.
Coding change: c.869T>C on transcript NM_152618.3 (MANE Select); coding-DNA position 869, T replaced by C.
Protein change: p.Val290Ala; replaces valine 290 with alanine.
Molecular consequence: missense variant.
Genome position (GRCh38, 1-based): chr4:122,742,761, T>C. VCF-style: chr4-122742761-T-C. GRCh37 (hg19) VCF-style: chr4-123663916-T-C.
Other names: c.869T>C, p.Val290Ala (NM_001178007.2); short protein forms V290A.
Identifiers: ClinVar variation 3354137 (VCV003354137.1).

ClinVar aggregate classification (germline): Uncertain significance (0 of 4 stars; one submission).

Conditions:
BBS12-related disorder. Also called: BBS12-related condition.

Submission:

PreventionGenetics, part of Exact Sciences
Classification: Uncertain significance for BBS12-related condition. Last evaluated: 2024-06-26. Review status: no assertion criteria provided. Collection method: clinical testing. Allele origin: germline.
Comment: The BBS12 c.869T>C variant is predicted to result in the amino acid substitution p.Val290Ala. To our knowledge, this variant has not been reported in the literature or in a large population database, indicating this variant is rare. At this time, the clinical significance of this variant is uncertain due to the absence of conclusive functional and genetic evidence.